The following is an entry in ClinVar:

ClinVar aggregate classification (germline): Uncertain significance (1 of 4 stars; one submission).

Conditions:
LRTOMT-related disorder. Also called: LRTOMT-related condition.

gnomAD v4.1: 1 of 1,505,396 alleles (0.000066%); highest among the groups gnomAD compares: Middle Eastern, 0.017%; no homozygotes.

Submission:

PreventionGenetics, part of Exact Sciences
Classification: Uncertain significance for LRTOMT-related condition. Last evaluated: 2026-02-03. Review status: criteria provided, single submitter. Criteria: ACMG Guidelines, 2015. Collection method: clinical testing. Allele origin: germline.
Comment: The LRTOMT c.596G>A variant is predicted to result in the amino acid substitution p.Cys199Tyr. To our knowledge, this variant has not been reported in the literature or in a large population database (gnomAD), indicating this variant is rare. At this time, the clinical significance of this variant is uncertain due to the absence of conclusive functional and genetic evidence.

NM_001145308.5(LRTOMT):c.596G>A (p.Cys199Tyr)

Genes: TOMT (transmembrane O-methyltransferase; plus strand), ANAPC15 (anaphase promoting complex subunit 15; minus strand), LRTOMT (leucine rich transmembrane and O-methyltransferase domain containing; plus strand). Cytogenetic location: 11q13.4.
Variant type: single nucleotide variant.
Coding change: c.596G>A on transcript NM_001145308.5; coding-DNA position 596, G replaced by A.
Protein change: p.Cys199Tyr; replaces cysteine 199 with tyrosine.
Molecular consequence: missense variant. On other transcripts: 3 prime UTR variant (3), non-coding transcript variant (1), intron variant (7).
Genome position (GRCh38, 1-based): chr11:72,108,645, G>A. VCF-style: chr11-72108645-G-A. GRCh37 (hg19) VCF-style: chr11-71819691-G-A.
Other names: c.476G>A, p.Cys159Tyr (NM_001145310.4); c.*174C>T (NM_001393443.1, NM_001393444.1, NM_001393445.1); c.64-1040C>T (NM_001393459.1); c.319-1040C>T (NM_001393430.1, NM_001393429.1, NM_001393428.1 and 3 more transcripts); c.497G>A, p.Cys166Tyr (NM_001393500.2); c.596G>A, p.Cys199Tyr (NM_001145309.4); short protein forms C159Y, C166Y, C199Y.
Identifiers: ClinVar variation 4985147 (VCV004985147.1).